The following is an entry in ClinVar:

NM_002755.4(MAP2K1):c.733G>A (p.Asp245Asn)

Gene: MAP2K1 (mitogen-activated protein kinase kinase 1; plus strand). Cytogenetic location: 15q22.31.
Variant type: single nucleotide variant.
Coding change: c.733G>A on transcript NM_002755.4 (MANE Select); coding-DNA position 733, G replaced by A.
Protein change: p.Asp245Asn; replaces aspartic acid 245 with asparagine.
Molecular consequence: missense variant.
Genome position (GRCh38, 1-based): chr15:66,485,029, G>A. VCF-style: chr15-66485029-G-A. GRCh37 (hg19) VCF-style: chr15-66777367-G-A.
Other names: c.589G>A, p.Asp197Asn (NM_001411065.1); short protein forms D197N, D245N.
Identifiers: ClinVar variation 3253409 (VCV003253409.1), dbSNP rs2140674058.
Genomic context (GRCh38, chr15:66,485,029, plus strand): 5'-CACTGTCTGTCTCTCCTGCAGCCAGAAAGACTCCAGGGGACTCATTACTCTGTGCAGTCA[G>A]ACATCTGGAGCATGGGACTGTCTCTGGTAGAGATGGCGGTTGGGAGGTATCCCATCCCTC-3'
Protein context (NP_002746.1, residues 235-255): LQGTHYSVQS[Asp245Asn]IWSMGLSLVE

ClinVar aggregate classification (germline): Uncertain significance (1 of 4 stars; one submission).

Submission:

GeneDx
Classification: Uncertain significance. Last evaluated: 2023-12-11. Review status: criteria provided, single submitter. Criteria: GeneDx Variant Classification Process June 2021. Collection method: clinical testing. Allele origin: germline. Affected: yes.
Comment: Not observed at significant frequency in large population cohorts (gnomAD); Missense variants in this gene are a common cause of disease and they are underrepresented in the general population; In silico analysis supports that this missense variant has a deleterious effect on protein structure/function; Has not been previously published as pathogenic or benign to our knowledge